The following is an entry in ClinVar:

NM_001267550.2(TTN):c.33286C>T (p.Arg11096Cys)

Gene: TTN (titin; minus strand). Cytogenetic location: 2q31.2.
Variant type: single nucleotide variant.
Coding change: c.33286C>T on transcript NM_001267550.2 (MANE Select); coding-DNA position 33286, C replaced by T.
Protein change: p.Arg11096Cys; replaces arginine 11096 with cysteine.
Molecular consequence: missense variant. On other transcripts: intron variant (3).
Genome position (GRCh38, 1-based): chr2:178,681,133, G>A on the plus strand (C>T on the coding strand, the complement: TTN is on the minus strand). VCF-style: chr2-178681133-G-A. GRCh37 (hg19) VCF-style: chr2-179545860-G-A.
Other names: c.32335C>T, p.Arg10779Cys (NM_001256850.1); c.29554C>T, p.Arg9852Cys (NM_133378.4); c.13283-38816C>T (NM_003319.4); c.13859-38816C>T (NM_133437.4); c.13658-38816C>T (NM_133432.3); short protein forms R11096C, R10779C, R9852C.
Identifiers: ClinVar variation 669067 (VCV000669067.3), dbSNP rs377710763, ClinGen allele CA1998396.
Genomic context (GRCh38, chr2:178,681,133, plus strand): 5'-TTATACCTTTAGCAGCGGGTTCAGTCACCTGCTCTTTTTCACGTTTGGTAATTGAAATAC[G>A]TATTTTTTCCTCAAAAACTTTCTTTGGTTCTTCAGGCACTTTAAAGATATTAATTATTAA-3'
Protein context (NP_001254479.2, residues 11086-11106): EPKKVFEEKI[Arg11096Cys]ISITKREKEQ

ClinVar aggregate classification (germline): Conflicting classifications of pathogenicity. Review status: criteria provided, conflicting classifications (1 of 4 stars). 3 submissions from 3 submitters: Uncertain significance (2); Likely benign (1). Last evaluated 2025-11-25.

Conditions:
TTN-related disorder. Also called: TTN-related disorders; TTN-related condition; TTN-related disease.

Allele frequency attached by ClinVar (database versions not stated): ExAC 0.00001; TOPMed 0.00002; ESP Exome Variant Server 0.00009; gnomAD 0.00010.
gnomAD v4.1: 26 of 1,603,842 alleles (0.0016%); highest among the groups gnomAD compares: African/African-American, 0.015%; no homozygotes.

Submissions (3):

PreventionGenetics, part of Exact Sciences
Classification: Uncertain significance for TTN-related condition. Last evaluated: 2025-11-25. Review status: criteria provided, single submitter. Criteria: ACMG Guidelines, 2015. Collection method: clinical testing. Allele origin: germline.
Comment: The TTN c.33286C>T variant is predicted to result in the amino acid substitution p.Arg11096Cys. To our knowledge, this variant has not been reported in the literature. This variant is reported in 0.021% of alleles in individuals of African descent in gnomAD. At this time, the clinical significance of this variant is uncertain due to the absence of conclusive functional and genetic evidence.

Women's Health and Genetics/Laboratory Corporation of America, LabCorp
Classification: Uncertain significance. Last evaluated: 2022-02-06. Review status: criteria provided, single submitter. Criteria: LabCorp Variant Classification Summary - May 2015. Collection method: clinical testing. Allele origin: germline.
Comment: Variant summary: TTN c.29554C>T (p.Arg9852Cys) results in a non-conservative amino acid change located in the I-band region of the encoded protein sequence. Three of four in-silico tools predict a damaging effect of the variant on protein function. The variant allele was found at a frequency of 8.3e-06 in 240134 control chromosomes. The available data on variant occurrences in the general population are insufficient to allow any conclusion about variant significance. To our knowledge, no occurrence of c.29554C>T in individuals affected with Dilated Cardiomyopathy and no experimental evidence demonstrating its impact on protein function have been reported. At-least one co-occurrence with another pathogenic variant have been observed at our laboratory (TTR c.424G>A, p.Val142Ile), providing supporting evidence for a benign role. One clinical diagnostic laboratory has submitted clinical-significance assessments for this variant to ClinVar after 2014 without evidence for independent evaluation and classified the variant as likely benign. Based on the evidence outlined above, the variant was classified as VUS-possibly benign.

GeneDx
Classification: Likely benign. Last evaluated: 2018-06-04. Review status: criteria provided, single submitter. Criteria: GeneDx Variant Classification (06012015). Collection method: clinical testing. Allele origin: germline. Affected: yes.
Comment: This variant is considered likely benign or benign based on one or more of the following criteria: it is a conservative change, it occurs at a poorly conserved position in the protein, it is predicted to be benign by multiple in silico algorithms, and/or has population frequency not consistent with disease.